The following is an entry in ClinVar:

NM_032043.3(BRIP1):c.930C>T (p.Cys310=)

Gene: BRIP1 (BRCA1 interacting DNA helicase 1; minus strand). Cytogenetic location: 17q23.2.
Variant type: single nucleotide variant.
Coding change: c.930C>T on transcript NM_032043.3 (MANE Select); coding-DNA position 930, C replaced by T.
Protein change: p.Cys310=; no amino-acid change (cysteine 310 retained).
Molecular consequence: synonymous variant.
Genome position (GRCh38, 1-based): chr17:61,801,463, G>A on the plus strand (C>T on the coding strand, the complement: BRIP1 is on the minus strand). VCF-style: chr17-61801463-G-A. GRCh37 (hg19) VCF-style: chr17-59878824-G-A.
Identifiers: ClinVar variation 1766520 (VCV001766520.3), dbSNP rs2145342515, ClinGen allele CA501151991.

ClinVar aggregate classification (germline): Benign/Likely benign. Review status: criteria provided, multiple submitters, no conflicts (2 of 4 stars). 2 submissions from 2 submitters: Benign (1); Likely benign (1). Last evaluated 2024-08-22.

Conditions:
Hereditary cancer-predisposing syndrome. Also called: Hereditary Cancer Syndrome; Hereditary neoplastic syndrome; Neoplastic Syndromes, Hereditary; Tumor predisposition. Identifiers: Orphanet 140162, MedGen C0027672, MeSH D009386, MONDO:0015356.
Familial cancer of breast. Also called: BREAST CANCER, FAMILIAL; hereditary breast carcinoma; Hereditary breast cancer. Identifiers: Orphanet 227535, MedGen C0346153, MONDO:0016419, OMIM 114480. Disease mechanism: loss of function.

Submissions (2):

Myriad Genetics, Inc.
Classification: Benign for Familial cancer of breast. Last evaluated: 2024-08-22. Review status: criteria provided, single submitter. Criteria: Myriad Autosomal Dominant, Autosomal Recessive and X-Linked Classification Criteria (2023). Collection method: clinical testing. Allele origin: unknown.
Comment: This variant is considered benign. This variant is a silent/synonymous amino acid change and it is not expected to impact splicing.

Ambry Genetics
Classification: Likely benign for Hereditary cancer-predisposing syndrome. Last evaluated: 2020-01-27. Review status: criteria provided, single submitter. Criteria: Ambry Variant Classification Scheme 2023. Collection method: clinical testing. Allele origin: germline.